The following is an entry in ClinVar:

NM_000642.3(AGL):c.1889G>T (p.Cys630Phe)

Gene: AGL (amylo-alpha-1,6-glucosidase and 4-alpha-glucanotransferase; plus strand). Cytogenetic location: 1p21.2.
Variant type: single nucleotide variant.
Coding change: c.1889G>T on transcript NM_000642.3 (MANE Select); coding-DNA position 1889, G replaced by T.
Protein change: p.Cys630Phe; replaces cysteine 630 with phenylalanine.
Molecular consequence: missense variant.
Genome position (GRCh38, 1-based): chr1:99,880,785, G>T. VCF-style: chr1-99880785-G-T. GRCh37 (hg19) VCF-style: chr1-100346341-G-T.
Other names: c.1889G>T, p.Cys630Phe (NM_000028.3, NM_000643.3, NM_000644.3 and 2 more transcripts); c.1841G>T, p.Cys614Phe (NM_000646.3); c.1688G>T, p.Cys563Phe (NM_001425327.1); c.1685G>T, p.Cys562Phe (NM_001425328.1, NM_001425329.1); c.1511G>T, p.Cys504Phe (NM_001425332.1); short protein forms C630F, C614F, C504F, C562F, C563F.
Identifiers: ClinVar variation 1469039 (VCV001469039.4), dbSNP rs757479682, ClinGen allele CA966614.

ClinVar aggregate classification (germline): Uncertain significance (1 of 4 stars; one submission).

Conditions:
Glycogen storage disease type III (GSD3). Also called: Cori disease; FORBES DISEASE. Identifiers: Orphanet 366, MedGen C0017922, MONDO:0009291, OMIM 232400.

Allele frequency attached by ClinVar (database versions not stated): gnomAD 0.00001; TOPMed 0.00002.
gnomAD v4.1: 3 of 1,613,770 alleles (0.00019%); highest among the groups gnomAD compares: African/African-American, 0.0027%; no homozygotes.

Submission:

Labcorp Genetics (formerly Invitae), Labcorp
Classification: Uncertain significance for Glycogen storage disease type III. Last evaluated: 2021-07-31. Review status: criteria provided, single submitter. Criteria: Invitae Variant Classification Sherloc (09022015). Collection method: clinical testing. Allele origin: germline.
Comment: This sequence change replaces cysteine with phenylalanine at codon 630 of the AGL protein (p.Cys630Phe). The cysteine residue is moderately conserved and there is a large physicochemical difference between cysteine and phenylalanine. This variant is present in population databases (rs757479682, ExAC 0.01%). This variant has not been reported in the literature in individuals affected with AGL-related conditions. Algorithms developed to predict the effect of missense changes on protein structure and function are either unavailable or do not agree on the potential impact of this missense change (SIFT: "Deleterious"; PolyPhen-2: "Possibly Damaging"; Align-GVGD: "Class C0"). In summary, the available evidence is currently insufficient to determine the role of this variant in disease. Therefore, it has been classified as a Variant of Uncertain Significance.